The following is an entry in ClinVar:

ClinVar aggregate classification (germline): Uncertain significance (1 of 4 stars; one submission).

Submission:

Mayo Clinic Laboratories, Mayo Clinic
Classification: Uncertain significance. Last evaluated: 2024-03-13. Review status: criteria provided, single submitter. Criteria: ACMG Guidelines, 2015. Collection method: clinical testing. Allele origin: germline. Observed: 1 variant allele.
Comment: BP1, PM2

NM_001267550.2(TTN):c.63565G>A (p.Gly21189Arg)

Genes: TTN (titin; minus strand), TTN-AS1 (TTN antisense RNA 1; plus strand). Cytogenetic location: 2q31.2.
Variant type: single nucleotide variant.
Coding change: c.63565G>A on transcript NM_001267550.2 (MANE Select); coding-DNA position 63565, G replaced by A.
Protein change: p.Gly21189Arg; replaces glycine 21189 with arginine.
Molecular consequence: missense variant.
Genome position (GRCh38, 1-based): chr2:178,587,744, C>T on the plus strand (G>A on the coding strand, the complement: TTN is on the minus strand). VCF-style: chr2-178587744-C-T. GRCh37 (hg19) VCF-style: chr2-179452471-C-T.
Other names: p.Gly19548Arg; c.58642G>A, p.Gly19548Arg (NM_001256850.1); c.36370G>A, p.Gly12124Arg (NM_003319.4); c.55861G>A, p.Gly18621Arg (NM_133378.4); c.36745G>A, p.Gly12249Arg (NM_133432.3); c.36946G>A, p.Gly12316Arg (NM_133437.4); short protein forms G12124R, G12249R, G12316R, G18621R, G19548R, G21189R.
Identifiers: ClinVar variation 3380882 (VCV003380882.1).